The following is an entry in ClinVar:

NM_005732.4(RAD50):c.3176A>C (p.Lys1059Thr)

Gene: RAD50 (RAD50 double strand break repair protein; plus strand). Cytogenetic location: 5q31.1.
Variant type: single nucleotide variant.
Coding change: c.3176A>C on transcript NM_005732.4 (MANE Select); coding-DNA position 3176, A replaced by C.
Protein change: p.Lys1059Thr; replaces lysine 1059 with threonine.
Molecular consequence: missense variant.
Genome position (GRCh38, 1-based): chr5:132,618,081, A>C. VCF-style: chr5-132618081-A-C. GRCh37 (hg19) VCF-style: chr5-131953773-A-C.
Other names: c.3176A>C (NM_005732.3); short protein forms K1059T.
Identifiers: ClinVar variation 1361851 (VCV001361851.9), dbSNP rs770062633, ClinGen allele CA360964212.
Genomic context (GRCh38, chr5:132,618,081, plus strand): 5'-TGTTAAAAGCTAAAAAATGGTCCTCATTTGTCATTTTTCTTTTTTACAGTGAACATCAGA[A>C]GTTGGAAGAGAACATAGACAATATAAAAAGAAATCATAATTTGGCATTAGGGCGACAGAA-3'
Protein context (NP_005723.2, residues 1049-1069): QVLQMKSEHQ[Lys1059Thr]LEENIDNIKR

ClinVar aggregate classification (germline): Uncertain significance. Review status: criteria provided, multiple submitters, no conflicts (2 of 4 stars). 2 submissions from 2 submitters: Uncertain significance (2). Last evaluated 2026-03-14.

Conditions:
Hereditary cancer-predisposing syndrome. Also called: Hereditary neoplastic syndrome; Tumor predisposition; Neoplastic Syndromes, Hereditary; Hereditary Cancer Syndrome. Identifiers: Orphanet 140162, MedGen C0027672, MeSH D009386, MONDO:0015356.

Submissions (2):

Ambry Genetics
Classification: Uncertain significance for Hereditary cancer-predisposing syndrome. Last evaluated: 2026-03-14. Review status: criteria provided, single submitter. Criteria: Ambry Variant Classification Scheme 2023. Collection method: clinical testing. Allele origin: germline.
Comment: The p.K1059T variant (also known as c.3176A>C), located in coding exon 21 of the RAD50 gene, results from an A to C substitution at nucleotide position 3176. The lysine at codon 1059 is replaced by threonine, an amino acid with similar properties. This amino acid position is conserved. In addition, this alteration is predicted to be tolerated by in silico analysis. Based on the available evidence, the clinical significance of this variant remains unclear.

Labcorp Genetics (formerly Invitae), Labcorp
Classification: Uncertain significance for Hereditary cancer-predisposing syndrome. Last evaluated: 2021-06-17. Review status: criteria provided, single submitter. Criteria: Invitae Variant Classification Sherloc (09022015). Collection method: clinical testing. Allele origin: germline.
Comment: This sequence change replaces lysine with threonine at codon 1059 of the RAD50 protein (p.Lys1059Thr). The lysine residue is moderately conserved and there is a moderate physicochemical difference between lysine and threonine. This variant is not present in population databases (ExAC no frequency). This variant has not been reported in the literature in individuals with RAD50-related conditions. Algorithms developed to predict the effect of missense changes on protein structure and function output the following: SIFT: "Tolerated"; PolyPhen-2: "Benign"; Align-GVGD: "Class C0". The threonine amino acid residue is found in multiple mammalian species, suggesting that this missense change does not adversely affect protein function. These predictions have not been confirmed by published functional studies and their clinical significance is uncertain. In summary, the available evidence is currently insufficient to determine the role of this variant in disease. Therefore, it has been classified as a Variant of Uncertain Significance.